The following is an entry in ClinVar:

NM_000055.4(BCHE):c.1004T>C (p.Leu335Pro)

Gene: BCHE (butyrylcholinesterase; minus strand). Cytogenetic location: 3q26.1.
Variant type: single nucleotide variant.
Coding change: c.1004T>C on transcript NM_000055.4 (MANE Select); coding-DNA position 1004, T replaced by C.
Protein change: p.Leu335Pro; replaces leucine 335 with proline.
Molecular consequence: missense variant. On other transcripts: non-coding transcript variant (1).
Genome position (GRCh38, 1-based): chr3:165,830,030, A>G on the plus strand (T>C on the coding strand, the complement: BCHE is on the minus strand). VCF-style: chr3-165830030-A-G. GRCh37 (hg19) VCF-style: chr3-165547818-A-G.
Other names: S-variant; short protein forms L335P.
Identifiers: ClinVar variation 13228 (VCV000013228.11), dbSNP rs104893684, ClinGen allele CA122971.

ClinVar aggregate classification (germline): Conflicting classifications of pathogenicity. Review status: criteria provided, conflicting classifications (1 of 4 stars). 8 submissions from 8 submitters: Pathogenic (3); Likely pathogenic (2); Uncertain significance (1). 2 of the submissions do not count toward it. Last evaluated 2026-01-28.

Conditions:
BCHE-related disorder. Also called: BCHE-related condition.
Deficiency of butyrylcholinesterase (BCHED). Also called: Butyrylcholinesterase deficiency; Acholinesterasemia; Deficiency of butyrylcholine esterase; BCHE, silent 1. Identifiers: Orphanet 132, MedGen C1283400, MONDO:0015270, OMIM 617936.

Allele frequency attached by ClinVar (database versions not stated): gnomAD below 0.00001 and 0.00010; TOPMed 0.00001; gnomAD exomes 0.00012 and 0.00026; ExAC 0.00033; 1000 Genomes Project 30x 0.00141; 1000 Genomes Project 0.00180.

Submissions (8):

GeneDx
Classification: Uncertain significance. Last evaluated: 2026-01-28. Review status: criteria provided, single submitter. Criteria: GeneDx Variant Classification Process June 2021. Collection method: clinical testing. Allele origin: germline.
Comment: Published functional studies demonstrate p.(L335P) significantly affects BCHE activity due to protein misfolding and degradation (PMID: 16788378); In silico analysis supports that this missense variant has a deleterious effect on protein structure/function; This variant is associated with the following publications: (PMID: 31589614, 26398623, 23123771, 16788378, 40778538)

PreventionGenetics, part of Exact Sciences
Classification: Pathogenic for BCHE-related condition. Last evaluated: 2025-12-10. Review status: criteria provided, single submitter. Criteria: ACMG Guidelines, 2015. Collection method: clinical testing. Allele origin: germline.
Comment: The BCHE c.1004T>C variant is predicted to result in the amino acid substitution p.Leu335Pro. This variant has been documented to reduce butyrylcholinesterase activity by at least 98% in homozygotes (Manoharan et al. 2006. PubMed ID: 16788378; also referred to as Leu307Pro). Individuals from a Vysya community in Coimbatore (India) were reported to be homozygous for this variant at an unusually high frequency (~4%), suggesting a founder effect. This variant is reported in 0.21% of alleles in individuals of South Asian descent in gnomAD. This variant is interpreted as pathogenic.

Revvity Omics, Revvity
Classification: Likely pathogenic for Deficiency of butyrylcholinesterase. Last evaluated: 2023-04-20. Review status: criteria provided, single submitter. Criteria: ACMG Guidelines, 2015. Collection method: clinical testing. Allele origin: germline.

Neuberg Centre For Genomic Medicine, NCGM
Classification: Likely pathogenic for Deficiency of butyrylcholinesterase. Last evaluated: 2023-03-01. Review status: criteria provided, single submitter. Criteria: ACMG Guidelines, 2015. Collection method: clinical testing. Allele origin: germline. Inheritance: Autosomal recessive inheritance. Affected: yes.
Comment: The missense variant c.1004T>C(p.Leu335Pro) in BCHE gene has been reported previously in homozygous state in multiple individuals with deficiency Of Butyrylcholine Esteras (Manoharan I, et al., 2006). The variant has 0.02% allele frequency in gnomAD Exomes and is novel (not in any individuals) in 1000 Genomes. This variant has been reported to the ClinVar database as Pathogenic/Likely Pathogenic. Although insilico analysis show that this mutation possibly due to has structural instability (David SM, et al., 2013), experimental studies are required to prove its Pathogenicity. The amino acid Leucine at position 335 is changed to a Proline changing protein sequence and it might alter its composition and physico-chemical properties. The variant is predicted to be damaging by SIFT. The amino acid change p.Leu335Pro in BCHE is predicted as conserved by GERP++ and PhyloP across 100 vertebrates. For these reasons, this variant has been classified as Likely Pathogenic.

Genetics and Genomic Medicine Centre, NeuroGen Healthcare, NeuroGen Healthcare
Classification: Pathogenic for Deficiency of butyrylcholinesterase. Last evaluated: 2021-09-25. Review status: criteria provided, single submitter. Criteria: Submitter's publication. Collection method: clinical testing. Allele origin: unknown. Affected: no.

Women's Health and Genetics/Laboratory Corporation of America, LabCorp
Classification: Pathogenic for Deficiency of butyrylcholinesterase. Last evaluated: 2021-08-05. Review status: criteria provided, single submitter. Criteria: LabCorp Variant Classification Summary - May 2015. Collection method: clinical testing. Allele origin: germline.
Comment: Variant summary: BCHE c.1004T>C (p.Leu335Pro, also known as the L307P variant) results in a non-conservative amino acid change located in the Carboxylesterase, type B domain of the encoded protein sequence. Five of five in-silico tools predict a damaging effect of the variant on protein function. The variant allele was found at a frequency of 0.00026 in 249654 control chromosomes in the gnomAD database, including 2 homozygotes. This frequency is not significantly higher than expected for a pathogenic variant in BCHE causing Deficiency Of Butyrylcholine Esterase (0.00026 vs 0.016), allowing no conclusion about variant significance. c.1004T>C has been reported in the literature in multiple individuals affected with Deficiency Of Butyrylcholine Esterase, specifically at a relatively higher frequency in the Vysya Indian community (Manoharan_2006). Numerous homozygous individuals were reported in this community, all of whom had no detectable BChE activity, including 4 individuals from the same family. All measures of BChE activity agreed that there was deficient BChE activity, including Western blotting, labeled BCHE protein, transient expression of the mutant in 293T cell lines and expression in transfected Chinese hamster ovary cells. Molecular dynamics studies showed the negligible activity caused by this mutation is possibly due to its structural instability (David_2013). One clinical diagnostic laboratory has submitted clinical-significance assessments for this variant to ClinVar after 2014 without evidence for independent evaluation. One laboratory classified the variant as likely pathogenic. Based on the evidence outlined above, the variant was classified as pathogenic.

Counsyl
Classification: Likely pathogenic. Last evaluated: 2017-06-14. Review status: no assertion criteria provided. Collection method: clinical testing. Allele origin: unknown. Not counted in ClinVar's aggregate classification.

OMIM
Classification: Pathogenic for BUTYRYLCHOLINESTERASE DEFICIENCY. Last evaluated: 2006-07-01. Review status: no assertion criteria provided. Collection method: literature only. Allele origin: germline. Not counted in ClinVar's aggregate classification.

Literature cited by the submitters: PubMed 23123771 (cited by Women's Health and Genetics/Laboratory Corporation of America, LabCorp); PubMed 16788378 (cited by 3 submitters).